The following is an entry in ClinVar:

NM_016156.6(MTMR2):c.163G>A (p.Asp55Asn)

Gene: MTMR2 (myotubularin related protein 2; minus strand). Cytogenetic location: 11q21.
Variant type: single nucleotide variant.
Coding change: c.163G>A on transcript NM_016156.6 (MANE Select); coding-DNA position 163, G replaced by A.
Protein change: p.Asp55Asn; replaces aspartic acid 55 with asparagine.
Molecular consequence: missense variant. On other transcripts: 5 prime UTR variant (3).
Genome position (GRCh38, 1-based): chr11:95,888,179, C>T on the plus strand (G>A on the coding strand, the complement: MTMR2 is on the minus strand). VCF-style: chr11-95888179-C-T. GRCh37 (hg19) VCF-style: chr11-95621343-C-T.
Other names: c.-250G>A (NM_001243571.2); c.-177G>A (NM_201278.3); c.-54G>A (NM_201281.3); short protein forms D55N.
Identifiers: ClinVar variation 2069200 (VCV002069200.3), dbSNP rs779277108, ClinGen allele CA6240452.

ClinVar aggregate classification (germline): Uncertain significance. Review status: criteria provided, multiple submitters, no conflicts (2 of 4 stars). 2 submissions from 2 submitters: Uncertain significance (2). Last evaluated 2025-04-13.

Conditions:
Inborn genetic diseases. Identifiers: MedGen C0950123, MeSH D030342.
Charcot-Marie-Tooth disease type 4. Also called: Charcot-Marie-Tooth, Type 4; Charcot-Marie-Tooth disease, type IV. Identifiers: Orphanet 64749, MedGen C4082197, MONDO:0018995.

Allele frequency attached by ClinVar (database versions not stated): ExAC 0.00001; TOPMed 0.00002; gnomAD 0.00001.
gnomAD v4.1: 7 of 1,612,510 alleles (0.00043%); highest among the groups gnomAD compares: East Asian, 0.0022%; no homozygotes.

Submissions (2):

Ambry Genetics
Classification: Uncertain significance for Inborn genetic diseases. Last evaluated: 2025-04-13. Review status: criteria provided, single submitter. Criteria: Ambry Variant Classification Scheme 2023. Collection method: clinical testing. Allele origin: germline.

Labcorp Genetics (formerly Invitae), Labcorp
Classification: Uncertain significance for Charcot-Marie-Tooth disease type 4. Last evaluated: 2024-07-30. Review status: criteria provided, single submitter. Criteria: Invitae Variant Classification Sherloc (09022015). Collection method: clinical testing. Allele origin: germline.
Comment: This sequence change replaces aspartic acid, which is acidic and polar, with asparagine, which is neutral and polar, at codon 55 of the MTMR2 protein (p.Asp55Asn). This variant is present in population databases (rs779277108, gnomAD 0.006%). This variant has not been reported in the literature in individuals affected with MTMR2-related conditions. ClinVar contains an entry for this variant (Variation ID: 2069200). Advanced modeling of protein sequence and biophysical properties (such as structural, functional, and spatial information, amino acid conservation, physicochemical variation, residue mobility, and thermodynamic stability) performed at Invitae indicates that this missense variant is not expected to disrupt MTMR2 protein function with a negative predictive value of 95%. In summary, the available evidence is currently insufficient to determine the role of this variant in disease. Therefore, it has been classified as a Variant of Uncertain Significance.